The following is an entry in ClinVar:

NM_147127.5(EVC2):c.575_576insTGTCCAG (p.Lys193fs)

Gene: EVC2 (EvC ciliary complex subunit 2; minus strand). Cytogenetic location: 4p16.2.
Variant type: Insertion.
Coding change: c.575_576insTGTCCAG on transcript NM_147127.5 (MANE Select); coding-DNA positions 575 to 576, TGTCCAG inserted.
Protein change: p.Lys193fs; shifts the reading frame from lysine 193.
Molecular consequence: frameshift variant.
Genome position: GRCh38 VCF-style: chr4-5689287-G-GCTGGACA. GRCh37 (hg19) VCF-style: chr4-5691014-G-GCTGGACA.
Other names: c.335_336insTGTCCAG, p.Lys113fs (NM_001166136.2); short protein forms K113fs, K193fs.
Identifiers: ClinVar variation 5011406 (VCV005011406.1).

ClinVar aggregate classification (germline): Pathogenic (1 of 4 stars; one submission).

Conditions:
Ellis-van Creveld syndrome (EVC). Also called: MESOECTODERMAL DYSPLASIA; Chondroectodermal dysplasia. Identifiers: Orphanet 289, MedGen C0013903, MONDO:0009162, OMIM 225500.

Submission:

Myriad Genetics, Inc.
Classification: Pathogenic for Ellis-van Creveld syndrome. Last evaluated: 2023-08-20. Review status: criteria provided, single submitter. Criteria: Myriad Autosomal Dominant, Autosomal Recessive and X-Linked Classification Criteria (2023). Collection method: clinical testing. Allele origin: unknown.
Comment: NM_147127.4(EVC2):c.575_576ins7(K193Vfs*40) is expected to be pathogenic in the context of EVC2-related Ellis-van Creveld syndrome. This variant is predicted to lead to an abnormal or absent protein product due to the creation of a premature termination codon in EVC2, a gene where loss-of-function variants are known to be pathogenic. Please note: this variant was assessed in the context of healthy population screening.